The following is an entry in ClinVar:

NC_000002.11:g.(1418275_1426816)_(1520755_1544365)dup

Gene: TPO (thyroid peroxidase; plus strand). Cytogenetic location: 2p25.3.
Variant type: Duplication.
Identifiers: ClinVar variation 1878423 (VCV001878423.2).

ClinVar aggregate classification (germline): Likely pathogenic (1 of 4 stars; one submission).

Conditions:
Deficiency of iodide peroxidase (TDH2A). Also called: THYROID HORMONOGENESIS, GENETIC DEFECT IN, 2A; THYROID PEROXIDASE DEFICIENCY; HYPOTHYROIDISM, CONGENITAL, DUE TO DYSHORMONOGENESIS, 2A; IODIDE PEROXIDASE DEFICIENCY; Thyroid dyshormonogenesis 2A. Identifiers: Orphanet 95716, MedGen C1291299, MONDO:0010133, OMIM 274500.

Submission:

Women's Health and Genetics/Laboratory Corporation of America, LabCorp
Classification: Likely pathogenic for Deficiency of iodide peroxidase. Last evaluated: 2023-02-02. Review status: criteria provided, single submitter. Criteria: LabCorp Variant Classification Summary - May 2015. Collection method: clinical testing. Allele origin: germline.
Comment: Variant summary: The variant identified by MLPA or other technology involves the duplication of exons 3-15 in the TPO gene. A presumed nomenclature of c.(94+1_95-1)_(2618+1_2619-1)dup has been designated for the purposes of this classification. It has been assumed that this is a tandem duplication in direct orientation (Richardson_GIM_2018, Newman_AJHG_2015). Although exact breakpoints of this duplication are not known, it is expected to result in a frameshift in the TPO gene. The variant allele was found at a frequency of 0.0012 in 21694 control chromosomes (gnomAD, Structural Variants dataset). This frequency is not higher than expected for a pathogenic variant in TPO causing Deficiency Of Iodide Peroxidase (0.0012 vs 0.0071), allowing no conclusion about variant significance. To our knowledge, no occurrence of c.(94+1_95-1)_(2618+1_2619-1)dup in individuals affected with Deficiency Of Iodide Peroxidase and no experimental evidence demonstrating its impact on protein function have been reported. One clinical diagnostic laboratory has submitted clinical-significance assessments for this variant to ClinVar after 2014 without evidence for independent evaluation and classified the variant as likely pathogenic. Based on the evidence outlined above, the variant was classified as likely pathogenic.